The following is an entry in ClinVar:

ClinVar aggregate classification (germline): Uncertain significance. Review status: criteria provided, multiple submitters, no conflicts (2 of 4 stars). 2 submissions from 2 submitters: Uncertain significance (2). Last evaluated 2025-12-13.

Conditions:
Inborn genetic diseases. Identifiers: MedGen C0950123, MeSH D030342.

gnomAD v4.1: 1 of 1,613,880 alleles (0.000062%); highest among the groups gnomAD compares: South Asian, 0.0011%; no homozygotes.

Submissions (2):

Ambry Genetics
Classification: Uncertain significance for Inborn genetic diseases. Last evaluated: 2025-12-13. Review status: criteria provided, single submitter. Criteria: Ambry Variant Classification Scheme 2023. Collection method: clinical testing. Allele origin: germline.
Comment: The p.R872K variant (also known as c.2615G>A), located in coding exon 23 of the ANKRD26 gene, results from a G to A substitution at nucleotide position 2615. The arginine at codon 872 is replaced by lysine, an amino acid with highly similar properties. This amino acid position is conserved. In addition, this alteration is predicted to be tolerated by in silico analysis. Based on the available evidence, the clinical significance of this variant remains unclear.

Mayo Clinic Laboratories, Mayo Clinic
Classification: Uncertain significance. Last evaluated: 2025-09-29. Review status: criteria provided, single submitter. Criteria: ACMG Guidelines, 2015. Collection method: clinical testing. Allele origin: germline. Observed: 1 variant allele.
Comment: BP4_moderate, PM2_supporting

NM_014915.3(ANKRD26):c.2615G>A (p.Arg872Lys)

Gene: ANKRD26 (ankyrin repeat domain 26; minus strand). Cytogenetic location: 10p12.1.
Variant type: single nucleotide variant.
Coding change: c.2615G>A on transcript NM_014915.3 (MANE Select); coding-DNA position 2615, G replaced by A.
Protein change: p.Arg872Lys; replaces arginine 872 with lysine.
Molecular consequence: missense variant.
Genome position (GRCh38, 1-based): chr10:27,037,268, C>T on the plus strand (G>A on the coding strand, the complement: ANKRD26 is on the minus strand). VCF-style: chr10-27037268-C-T. GRCh37 (hg19) VCF-style: chr10-27326197-C-T.
Other names: p.Arg872Lys; c.2612G>A, p.Arg871Lys (NM_001256053.2); short protein forms R871K, R872K.
Identifiers: ClinVar variation 4541533 (VCV004541533.1).
Genomic context (GRCh38, chr10:27,037,268, plus strand): 5'-GCCATTTCAATCTCCTTTTGTTTGGAAAGGTGATTGGTCAGAATTCCATCTTGTAACATT[C>T]TGGCATTCTGTTCTCGAGAAAGTTGCCTCTGAGCGTCATTTCGCTCTTGAACGACCTAGA-3'
Protein context (NP_055730.2, residues 862-882): QRQLSREQNA[Arg872Lys]MLQDGILTNH